The following is an entry in ClinVar:

NM_000168.6(GLI3):c.1778G>A (p.Arg593His)

Gene: GLI3 (GLI family zinc finger 3; minus strand). Cytogenetic location: 7p14.1.
Variant type: single nucleotide variant.
Coding change: c.1778G>A on transcript NM_000168.6 (MANE Select); coding-DNA position 1778, G replaced by A.
Protein change: p.Arg593His; replaces arginine 593 with histidine.
Molecular consequence: missense variant.
Genome position (GRCh38, 1-based): chr7:41,977,592, C>T on the plus strand (G>A on the coding strand, the complement: GLI3 is on the minus strand). VCF-style: chr7-41977592-C-T. GRCh37 (hg19) VCF-style: chr7-42017191-C-T.
Other names: short protein forms R593H.
Identifiers: ClinVar variation 1800908 (VCV001800908.8), dbSNP rs1787544916, ClinGen allele CA367324475.

ClinVar aggregate classification (germline): Uncertain significance. Review status: criteria provided, multiple submitters, no conflicts (2 of 4 stars). 3 submissions from 3 submitters: Uncertain significance (3). Last evaluated 2026-01-05.

Conditions:
Greig cephalopolysyndactyly syndrome (GCPS). Also called: POLYSYNDACTYLY WITH PECULIAR SKULL SHAPE; Greig syndrome; GLI3-Related Greig Cephalopolysyndactyly Syndrome. Identifiers: Orphanet 380, MedGen C0265306, MONDO:0008287, OMIM 175700.
Polydactyly, postaxial, type A1. Identifiers: MedGen C4282400, MONDO:0008266, OMIM 174200.
Pallister-Hall syndrome (PHS). Also called: GLI3-Related Pallister-Hall Syndrome; HYPOTHALAMIC HAMARTOBLASTOMA, HYPOPITUITARISM, IMPERFORATE ANUS, AND POSTAXIAL POLYDACTYLY. Identifiers: Orphanet 672, MedGen C0265220, MONDO:0007804, OMIM 146510.
Polysyndactyly 4. Also called: Polysyndactyly uncomplicated; Preaxial polydactyly 4. Identifiers: Orphanet 93338, MedGen C1868111, MONDO:0008272, OMIM 174700.

Allele frequency attached by ClinVar (database versions not stated): gnomAD 0.00001; gnomAD exomes below 0.00001.
gnomAD v4.1: 2 of 1,614,046 alleles (0.00012%); highest among the groups gnomAD compares: Non-Finnish European, 0.00017%; no homozygotes.

Submissions (3):

GeneDx
Classification: Uncertain significance. Last evaluated: 2026-01-05. Review status: criteria provided, single submitter. Criteria: GeneDx Variant Classification Process June 2021. Collection method: clinical testing. Allele origin: germline.
Comment: Has not been previously published as pathogenic or benign to our knowledge; Not observed at significant frequency in large population cohorts (gnomAD); In silico analysis supports that this missense variant has a deleterious effect on protein structure/function

Fulgent Genetics
Classification: Uncertain significance for Pallister-Hall syndrome; Polydactyly, postaxial, type A1; Polysyndactyly 4; Greig cephalopolysyndactyly syndrome. Last evaluated: 2024-01-14. Review status: criteria provided, single submitter. Criteria: ACMG Guidelines, 2015. Collection method: clinical testing. Allele origin: germline.

Labcorp Genetics (formerly Invitae), Labcorp
Classification: Uncertain significance for Pallister-Hall syndrome; Greig cephalopolysyndactyly syndrome. Last evaluated: 2022-09-30. Review status: criteria provided, single submitter. Criteria: Invitae Variant Classification Sherloc (09022015). Collection method: clinical testing. Allele origin: germline.
Comment: In summary, the available evidence is currently insufficient to determine the role of this variant in disease. Therefore, it has been classified as a Variant of Uncertain Significance. This sequence change replaces arginine, which is basic and polar, with histidine, which is basic and polar, at codon 593 of the GLI3 protein (p.Arg593His). This variant is not present in population databases (gnomAD no frequency). This missense change has been observed in individual(s) with clinical features of Greig cephalopolysyndactyly syndrome (Invitae). It has also been observed to segregate with disease in related individuals. Advanced modeling of protein sequence and biophysical properties (such as structural, functional, and spatial information, amino acid conservation, physicochemical variation, residue mobility, and thermodynamic stability) performed at Invitae indicates that this missense variant is expected to disrupt GLI3 protein function.